The following is an entry in ClinVar:

ClinVar aggregate classification (germline): Conflicting classifications of pathogenicity. Review status: criteria provided, conflicting classifications (1 of 4 stars). 4 submissions from 4 submitters: Uncertain significance (3); Benign (1). Last evaluated 2025-05-05.

Conditions:
Hereditary cancer-predisposing syndrome. Also called: Tumor predisposition; Hereditary Cancer Syndrome; Neoplastic Syndromes, Hereditary; Hereditary neoplastic syndrome. Identifiers: Orphanet 140162, MedGen C0027672, MeSH D009386, MONDO:0015356.
BAP1-related tumor predisposition syndrome (TPDS1). Also called: Tumor susceptibility linked to germline BAP1 mutations; BAP1 tumor predisposition syndrome; COMMON Syndrome; TUMOR PREDISPOSITION SYNDROME 1. Identifiers: Orphanet 289539, MedGen C3280492, MONDO:0013692, OMIM 614327.

gnomAD v4.1: 4 of 1,614,204 alleles (0.00025%); no homozygotes.

Submissions (4):

Ambry Genetics
Classification: Benign for Hereditary cancer-predisposing syndrome. Last evaluated: 2025-05-05. Review status: criteria provided, single submitter. Criteria: Ambry Variant Classification Scheme 2023. Collection method: clinical testing. Allele origin: germline.

Blueprint Genetics
Classification: Uncertain significance. Last evaluated: 2024-07-04. Review status: criteria provided, single submitter. Criteria: ACMG Guidelines, 2015. Collection method: clinical testing. Allele origin: germline.

Color Diagnostics, LLC DBA Color Health
Classification: Uncertain significance for Hereditary cancer-predisposing syndrome. Last evaluated: 2024-03-06. Review status: criteria provided, single submitter. Criteria: ACMG Guidelines, 2015. Collection method: clinical testing. Allele origin: germline.
Comment: This missense variant replaces lysine with asparagine at codon 249 of the BAP1 protein. Computational prediction suggests that this variant may not impact protein structure and function (internally defined REVEL score threshold <= 0.5, PMID: 27666373). To our knowledge, functional studies have not been reported for this variant. This variant has not been reported in individuals affected with hereditary cancer in the literature. This variant has not been identified in the general population by the Genome Aggregation Database (gnomAD). The available evidence is insufficient to determine the role of this variant in disease conclusively. Therefore, this variant is classified as a Variant of Uncertain Significance.

Labcorp Genetics (formerly Invitae), Labcorp
Classification: Uncertain significance for BAP1-related tumor predisposition syndrome. Last evaluated: 2024-01-27. Review status: criteria provided, single submitter. Criteria: Invitae Variant Classification Sherloc (09022015). Collection method: clinical testing. Allele origin: germline.
Comment: This sequence change replaces lysine, which is basic and polar, with asparagine, which is neutral and polar, at codon 249 of the BAP1 protein (p.Lys249Asn). This variant is not present in population databases (gnomAD no frequency). This variant has not been reported in the literature in individuals affected with BAP1-related conditions. ClinVar contains an entry for this variant (Variation ID: 489643). Advanced modeling of protein sequence and biophysical properties (such as structural, functional, and spatial information, amino acid conservation, physicochemical variation, residue mobility, and thermodynamic stability) performed at Invitae indicates that this missense variant is not expected to disrupt BAP1 protein function with a negative predictive value of 80%. In summary, the available evidence is currently insufficient to determine the role of this variant in disease. Therefore, it has been classified as a Variant of Uncertain Significance.

Literature cited by the submitters: PubMed 38969833 (cited by Ambry Genetics).

NM_004656.4(BAP1):c.747G>T (p.Lys249Asn)

Gene: BAP1 (BRCA1 associated deubiquitinase 1; minus strand). Cytogenetic location: 3p21.1.
Variant type: single nucleotide variant.
Coding change: c.747G>T on transcript NM_004656.4 (MANE Select); coding-DNA position 747, G replaced by T.
Protein change: p.Lys249Asn; replaces lysine 249 with asparagine.
Molecular consequence: missense variant.
Genome position (GRCh38, 1-based): chr3:52,406,289, C>A on the plus strand (G>T on the coding strand, the complement: BAP1 is on the minus strand). VCF-style: chr3-52406289-C-A. GRCh37 (hg19) VCF-style: chr3-52440305-C-A.
Other names: c.747G>T (LRG_529t1); short protein forms K249N.
Identifiers: ClinVar variation 489643 (VCV000489643.15), dbSNP rs1553645603, ClinGen allele CA353107156.